The following is an entry in ClinVar:

NM_001042702.5(PJVK):c.760G>T (p.Glu254Ter)

Gene: PJVK (pejvakin; plus strand). Cytogenetic location: 2q31.2.
Variant type: single nucleotide variant.
Coding change: c.760G>T on transcript NM_001042702.5 (MANE Select); coding-DNA position 760, G replaced by T.
Protein change: p.Glu254Ter; replaces glutamic acid 254 with a stop codon.
Molecular consequence: nonsense. On other transcripts: intron variant (1).
Genome position (GRCh38, 1-based): chr2:178,460,440, G>T. VCF-style: chr2-178460440-G-T. GRCh37 (hg19) VCF-style: chr2-179325167-G-T.
Other names: c.769G>T, p.Glu257Ter (NM_001353775.2); c.283G>T, p.Glu95Ter (NM_001353777.1, NM_001353778.2); c.760G>T, p.Glu254Ter (NM_001369912.1); c.773-542G>T (NM_001353776.2); short protein forms E254*, E257*, E95*.
Identifiers: ClinVar variation 4282289 (VCV004282289.1).

ClinVar aggregate classification (germline): Uncertain significance (1 of 4 stars; one submission).

gnomAD v4.1: 18 of 1,613,276 alleles (0.0011%); highest among the groups gnomAD compares: Non-Finnish European, 0.0014%; no homozygotes.

Submission:

GeneDx
Classification: Uncertain significance. Last evaluated: 2025-04-16. Review status: criteria provided, single submitter. Criteria: GeneDx Variant Classification Process June 2021. Collection method: clinical testing. Allele origin: germline. Affected: yes.
Comment: Nonsense variant predicted to result in protein truncation as the last 99 amino acid(s) are lost; Not observed at significant frequency in large population cohorts (gnomAD); Has not been previously published as pathogenic or benign to our knowledge